The following is an entry in ClinVar:

NM_001037.5(SCN1B):c.582G>A (p.Gln194=)

Gene: SCN1B (sodium voltage-gated channel beta subunit 1; plus strand). Cytogenetic location: 19q13.11.
Variant type: single nucleotide variant.
Coding change: c.582G>A on transcript NM_001037.5 (MANE Select); coding-DNA position 582, G replaced by A.
Protein change: p.Gln194=; no amino-acid change (glutamine 194 retained).
Molecular consequence: synonymous variant.
Genome position (GRCh38, 1-based): chr19:35,039,250, G>A. VCF-style: chr19-35039250-G-A. GRCh37 (hg19) VCF-style: chr19-35530154-G-A.
Other names: c.582G>A (NM_001037.4); c.483G>A, p.Gln161= (NM_001321605.2).
Identifiers: ClinVar variation 4712921 (VCV004712921.2).

ClinVar aggregate classification (germline): Conflicting classifications of pathogenicity. Review status: criteria provided, conflicting classifications (1 of 4 stars). 2 submissions from 2 submitters: Uncertain significance (1); Likely benign (1). Last evaluated 2026-01-24.

Conditions:
Brugada syndrome 5 (BRGDA5). Identifiers: Orphanet 130, Orphanet 871, MedGen C2748541, MONDO:0013015, OMIM 612838.
Cardiovascular phenotype. Identifiers: MedGen CN230736.

Submissions (2):

Ambry Genetics
Classification: Likely benign for Cardiovascular phenotype. Last evaluated: 2026-01-24. Review status: criteria provided, single submitter. Criteria: Ambry Variant Classification Scheme 2023. Collection method: clinical testing. Allele origin: germline.

Labcorp Genetics (formerly Invitae), Labcorp
Classification: Uncertain significance for Brugada syndrome 5. Last evaluated: 2025-02-12. Review status: criteria provided, single submitter. Criteria: Invitae Variant Classification Sherloc (09022015). Collection method: clinical testing. Allele origin: germline.
Comment: The SCN1B gene has multiple clinically relevant transcripts. This variant occurs in alternate transcript NM_001037.4, and corresponds to NM_199037.3:c.*5152G>A in the primary transcript. This sequence change affects codon 194 of the SCN1B mRNA. It is a 'silent' change, meaning that it does not change the encoded amino acid sequence of the SCN1B protein. This variant is not present in population databases (gnomAD no frequency). This variant has not been reported in the literature in individuals affected with SCN1B-related conditions. Experimental studies and prediction algorithms are not available or were not evaluated, and the effect of this variant on mRNA splicing is currently unknown. In summary, the available evidence is currently insufficient to determine the role of this variant in disease. Therefore, it has been classified as a Variant of Uncertain Significance.